The following is an entry in ClinVar:

ClinVar aggregate classification (germline): Uncertain significance (1 of 4 stars; one submission).

Submission:

Labcorp Genetics (formerly Invitae), Labcorp
Classification: Uncertain significance. Last evaluated: 2024-07-06. Review status: criteria provided, single submitter. Criteria: Invitae Variant Classification Sherloc (09022015). Collection method: clinical testing. Allele origin: germline.
Comment: This sequence change replaces methionine, which is neutral and non-polar, with isoleucine, which is neutral and non-polar, at codon 1826 of the NSD1 protein (p.Met1826Ile). This variant is not present in population databases (gnomAD no frequency). This variant has not been reported in the literature in individuals affected with NSD1-related conditions. Advanced modeling of protein sequence and biophysical properties (such as structural, functional, and spatial information, amino acid conservation, physicochemical variation, residue mobility, and thermodynamic stability) performed at Invitae indicates that this missense variant is expected to disrupt NSD1 protein function with a positive predictive value of 95%. In summary, the available evidence is currently insufficient to determine the role of this variant in disease. Therefore, it has been classified as a Variant of Uncertain Significance.

NM_022455.5(NSD1):c.5478G>A (p.Met1826Ile)

Genes: NSD1 (nuclear receptor binding SET domain protein 1; plus strand), LOC126807619 (MED14-independent group 3 enhancer GRCh37_chr5:176696443-176697642; plus strand). Cytogenetic location: 5q35.3.
Variant type: single nucleotide variant.
Coding change: c.5478G>A on transcript NM_022455.5 (MANE Select); coding-DNA position 5478, G replaced by A.
Protein change: p.Met1826Ile; replaces methionine 1826 with isoleucine.
Molecular consequence: missense variant.
Genome position (GRCh38, 1-based): chr5:177,269,776, G>A. VCF-style: chr5-177269776-G-A. GRCh37 (hg19) VCF-style: chr5-176696777-G-A.
Other names: c.4605G>A, p.Met1535Ile (NM_001365684.2, NM_001409308.1, NM_001409309.1 and 1 more transcripts); c.5478G>A, p.Met1826Ile (NM_001409301.1, NM_001409302.1, NM_001409303.1); c.5058G>A, p.Met1686Ile (NM_001409304.1); c.4725G>A, p.Met1575Ile (NM_001409305.1); c.4716G>A, p.Met1572Ile (NM_001409306.1, NM_001409307.1); short protein forms M1686I, M1535I, M1572I, M1575I, M1826I.
Identifiers: ClinVar variation 3666175 (VCV003666175.2).